The following is an entry in ClinVar:

NM_001378452.1(ITPR1):c.3647G>A (p.Arg1216Gln)

Gene: ITPR1 (inositol 1,4,5-trisphosphate receptor type 1; plus strand). Cytogenetic location: 3p26.1.
Variant type: single nucleotide variant.
Coding change: c.3647G>A on transcript NM_001378452.1 (MANE Select); coding-DNA position 3647, G replaced by A.
Protein change: p.Arg1216Gln; replaces arginine 1216 with glutamine.
Molecular consequence: missense variant.
Genome position (GRCh38, 1-based): chr3:4,685,151, G>A. VCF-style: chr3-4685151-G-A. GRCh37 (hg19) VCF-style: chr3-4726835-G-A.
Other names: c.3620G>A, p.Arg1207Gln (NM_001099952.4); c.3602G>A, p.Arg1201Gln (NM_001168272.2); c.3575G>A, p.Arg1192Gln (NM_002222.7); c.3575G>A (NM_002222.5); short protein forms R1201Q, R1207Q, R1216Q, R1192Q.
Identifiers: ClinVar variation 2901549 (VCV002901549.4), dbSNP rs1255203689, ClinGen allele CA351651618.

ClinVar aggregate classification (germline): Uncertain significance. Review status: criteria provided, multiple submitters, no conflicts (2 of 4 stars). 2 submissions from 2 submitters: Uncertain significance (2). Last evaluated 2025-05-11.

Conditions:
Inborn genetic diseases. Identifiers: MedGen C0950123, MeSH D030342.

Allele frequency attached by ClinVar (database versions not stated): TOPMed 0.00001; gnomAD exomes below 0.00001; gnomAD 0.00001.
gnomAD v4.1: 8 of 1,609,346 alleles (0.0005%); highest among the groups gnomAD compares: Non-Finnish European, 0.00042%; no homozygotes.

Submissions (2):

Labcorp Genetics (formerly Invitae), Labcorp
Classification: Uncertain significance. Last evaluated: 2025-05-11. Review status: criteria provided, single submitter. Criteria: Invitae Variant Classification Sherloc (09022015). Collection method: clinical testing. Allele origin: germline.
Comment: This sequence change replaces arginine, which is basic and polar, with glutamine, which is neutral and polar, at codon 1192 of the ITPR1 protein (p.Arg1192Gln). This variant is present in population databases (no rsID available, gnomAD 0.007%). This variant has not been reported in the literature in individuals affected with ITPR1-related conditions. ClinVar contains an entry for this variant (Variation ID: 2901549). Invitae Evidence Modeling of protein sequence and biophysical properties (such as structural, functional, and spatial information, amino acid conservation, physicochemical variation, residue mobility, and thermodynamic stability) has been performed for this missense variant. However, the output from this modeling did not meet the statistical confidence thresholds required to predict the impact of this variant on ITPR1 protein function. In summary, the available evidence is currently insufficient to determine the role of this variant in disease. Therefore, it has been classified as a Variant of Uncertain Significance.

Ambry Genetics
Classification: Uncertain significance for Inborn genetic diseases. Last evaluated: 2025-02-08. Review status: criteria provided, single submitter. Criteria: Ambry Variant Classification Scheme 2023. Collection method: clinical testing. Allele origin: germline.